The following is an entry in ClinVar:

ClinVar aggregate classification (germline): Benign (1 of 4 stars; one submission).

Conditions:
Hereditary spastic paraplegia 8 (SPG8). Also called: SPASTIC PARAPLEGIA 8, AUTOSOMAL DOMINANT. Identifiers: Orphanet 100989, MedGen C1863704, MONDO:0011339, OMIM 603563.

Allele frequency attached by ClinVar (database versions not stated): TOPMed 0.00107; gnomAD 0.00113 and 0.00079; 1000 Genomes Project 0.00679; 1000 Genomes Project 30x 0.00687.

Submission:

Illumina Laboratory Services, Illumina
Classification: Benign for Hereditary spastic paraplegia 8. Last evaluated: 2018-01-13. Review status: criteria provided, single submitter. Criteria: ICSL Variant Classification Criteria 13 December 2019. Collection method: clinical testing. Allele origin: germline.
Comment: This variant was observed in the ICSL laboratory as part of a predisposition screen in an ostensibly healthy population. It had not been previously curated by ICSL or reported in the Human Gene Mutation Database (HGMD: prior to June 1st, 2018), and was therefore a candidate for classification through an automated scoring system. Utilizing variant allele frequency, disease prevalence and penetrance estimates, and inheritance mode, an automated score was calculated to assess if this variant is too frequent to cause the disease. Based on the score and internal cut-off values, a variant classified as benign is not then subjected to further curation. The score for this variant resulted in a classification of benign for this disease.

NM_014846.4(WASHC5):c.-178T>C

Genes: WASHC5 (WASH complex subunit 5; minus strand), LOC130001092 (ATAC-STARR-seq lymphoblastoid silent region 19517; plus strand). Cytogenetic location: 8q24.13.
Variant type: single nucleotide variant.
Coding change: c.-178T>C on transcript NM_014846.4 (MANE Select); 178 bases upstream of the start codon, T replaced by C.
Molecular consequence: 5 prime UTR variant.
Genome position (GRCh38, 1-based): chr8:125,091,668, A>G on the plus strand (T>C on the coding strand, the complement: WASHC5 is on the minus strand). VCF-style: chr8-125091668-A-G. GRCh37 (hg19) VCF-style: chr8-126103910-A-G.
Other names: c.-312T>C (NM_001330609.2).
Identifiers: ClinVar variation 361740 (VCV000361740.5), dbSNP rs370705310, ClinGen allele CA10630167.